The following is an entry in ClinVar:

NM_017849.4(TMEM127):c.185C>A (p.Ser62Ter)

Gene: TMEM127 (transmembrane protein 127; minus strand). Cytogenetic location: 2q11.2.
Variant type: single nucleotide variant.
Coding change: c.185C>A on transcript NM_017849.4 (MANE Select); coding-DNA position 185, C replaced by A.
Protein change: p.Ser62Ter; replaces serine 62 with a stop codon.
Molecular consequence: nonsense. On other transcripts: intron variant (1).
Genome position (GRCh38, 1-based): chr2:96,265,197, G>T on the plus strand (C>A on the coding strand, the complement: TMEM127 is on the minus strand). VCF-style: chr2-96265197-G-T. GRCh37 (hg19) VCF-style: chr2-96930935-G-T.
Other names: c.185C>A, p.Ser62Ter (NM_001193304.3); c.-9+672C>A (NM_001407283.1); short protein forms S62*.
Identifiers: ClinVar variation 2574087 (VCV002574087.1), dbSNP rs1248364576, ClinGen allele CA347655943.
Genomic context (GRCh38, chr2:96,265,197, plus strand): 5'-CCTTTCAGCAGGTCCGGGTGCACATAGCCCAACACGTCGGAGACCCCCAGCTCCTGGCGC[G>T]AACAGGTGCCTCCGTGGATGTGCAACCAGGCGGGCTCGGCGAGGGCAGTGCACAGCGCCG-3'

ClinVar aggregate classification (germline): Likely pathogenic (0 of 4 stars; one submission).

Conditions:
Pheochromocytoma. Also called: MAX-Related Hereditary Paraganglioma-Pheochromocytoma Syndrome. Identifiers: Orphanet 29072, MedGen C0031511, MONDO:0008233, OMIM 171300, HP:0002666.

Submission:

deCODE genetics, Amgen
Classification: Likely pathogenic for Pheochromocytoma. Last evaluated: 2023-07-21. Review status: no assertion criteria provided. Collection method: research. Allele origin: germline. Affected: yes. Observed: 1 variant allele.
Comment: The variant NM_017849.4:c.185C>A (chr2:96265197) in TMEM127 was detected in 1 heterozygote out of 58K WGS Icelanders (MAF= 0,001%). This variant has not been reported in ClinVar previously. Based on ACMG criteria (PVS1, PM2) this variant classifies as likely pathogenic.